The following is an entry in ClinVar:

ClinVar aggregate classification (germline): Uncertain significance (1 of 4 stars; one submission).

gnomAD v4.1: 2 of 1,581,442 alleles (0.00013%); highest among the groups gnomAD compares: Non-Finnish European, 0.00017%; no homozygotes.

Submission:

Labcorp Genetics (formerly Invitae), Labcorp
Classification: Uncertain significance. Last evaluated: 2025-10-26. Review status: criteria provided, single submitter. Criteria: Invitae Variant Classification Sherloc (09022015). Collection method: clinical testing. Allele origin: germline.
Comment: This sequence change replaces glutamine, which is neutral and polar, with lysine, which is basic and polar, at codon 307 of the CEP89 protein (p.Gln307Lys). This variant is not present in population databases (gnomAD no frequency). This variant has not been reported in the literature in individuals affected with CEP89-related conditions. An algorithm developed to predict the effect of missense changes on protein structure and function (PolyPhen-2) suggests that this variant is likely to be disruptive. In summary, the available evidence is currently insufficient to determine the role of this variant in disease. Therefore, it has been classified as a Variant of Uncertain Significance.

NM_032816.5(CEP89):c.919C>A (p.Gln307Lys)

Gene: CEP89 (centrosomal protein 89; minus strand). Cytogenetic location: 19q13.11.
Variant type: single nucleotide variant.
Coding change: c.919C>A on transcript NM_032816.5 (MANE Select); coding-DNA position 919, C replaced by A.
Protein change: p.Gln307Lys; replaces glutamine 307 with lysine.
Molecular consequence: missense variant.
Genome position (GRCh38, 1-based): chr19:32,931,539, G>T on the plus strand (C>A on the coding strand, the complement: CEP89 is on the minus strand). VCF-style: chr19-32931539-G-T. GRCh37 (hg19) VCF-style: chr19-33422445-G-T.
Other names: short protein forms Q307K.
Identifiers: ClinVar variation 4777843 (VCV004777843.1).